The following is an entry in ClinVar:

ClinVar aggregate classification (germline): Uncertain significance. Review status: criteria provided, single submitter (1 of 4 stars). 3 submissions from 2 submitters: Uncertain significance (2). 1 of the submissions does not count toward it. Last evaluated 2018-01-13.

Conditions:
CDH23-related disorder. Also called: CDH23-related disorders; CDH23-related condition.
Usher syndrome type 1D (USH1D). Also called: USHER SYNDROME, TYPE ID. Identifiers: Orphanet 231169, Orphanet 886, MedGen C1832845, MONDO:0010984, OMIM 601067.
Autosomal recessive nonsyndromic hearing loss 12. Also called: DEAFNESS, AUTOSOMAL RECESSIVE 12. Identifiers: Orphanet 90636, MedGen C1832394, MONDO:0011067, OMIM 601386.

Allele frequency attached by ClinVar (database versions not stated): gnomAD 0.00001 and 0.00002; TOPMed 0.00001.

Submissions (3):

Illumina Laboratory Services, Illumina
Classification: Uncertain significance for Autosomal recessive nonsyndromic hearing loss 12. Last evaluated: 2018-01-13. Review status: criteria provided, single submitter. Criteria: ICSL Variant Classification Criteria 13 December 2019. Collection method: clinical testing. Allele origin: germline.

Illumina Laboratory Services, Illumina
Classification: Uncertain significance for Usher syndrome type 1D. Last evaluated: 2018-01-13. Review status: criteria provided, single submitter. Criteria: ICSL Variant Classification Criteria 13 December 2019. Collection method: clinical testing. Allele origin: germline.

PreventionGenetics, part of Exact Sciences
Classification: Likely benign for CDH23-related condition. Last evaluated: 2024-09-04. Review status: no assertion criteria provided. Collection method: clinical testing. Allele origin: germline. Not counted in ClinVar's aggregate classification.
Comment: This variant is classified as likely benign based on ACMG/AMP sequence variant interpretation guidelines (Richards et al. 2015 PMID: 25741868, with internal and published modifications).

NM_022124.6(CDH23):c.-38G>C

Gene: CDH23 (cadherin related 23; plus strand). Cytogenetic location: 10q22.1.
Variant type: single nucleotide variant.
Coding change: c.-38G>C on transcript NM_022124.6 (MANE Select); 38 bases upstream of the start codon, G replaced by C.
Molecular consequence: 5 prime UTR variant.
Genome position (GRCh38, 1-based): chr10:71,397,286, G>C. VCF-style: chr10-71397286-G-C. GRCh37 (hg19) VCF-style: chr10-73157043-G-C.
Other names: c.-38G>C (NM_001171930.2, NM_001171931.2, NM_001171932.2 and 1 more transcripts).
Identifiers: ClinVar variation 300396 (VCV000300396.7), dbSNP rs886047128, ClinGen allele CA10636076.